The following is an entry in ClinVar:

NM_004415.4(DSP):c.5020dup (p.Ser1674fs)

Gene: DSP (desmoplakin; plus strand). Cytogenetic location: 6p24.3.
Variant type: Duplication.
Coding change: c.5020dup on transcript NM_004415.4 (MANE Select); coding-DNA position 5020, one base duplicated (A; older notation c.5020dupA).
Protein change: p.Ser1674fs; shifts the reading frame from serine 1674.
Molecular consequence: frameshift variant. On other transcripts: intron variant (2).
Genome position (GRCh38, 1-based): chr6:7,581,210, A duplicated; the last of 3 consecutive A bases (chr6:7,581,208-7,581,210); duplicating any one gives the same sequence. VCF-style (leftmost placement, unchanged base first): chr6-7581207-G-GA. GRCh37 (hg19) VCF-style: chr6-7581440-G-GA.
Other names: c.4050+970dup (NM_001319034.2); c.3583-1432dup (NM_001008844.3); short protein forms S1674fs.
Identifiers: ClinVar variation 1377727 (VCV001377727.6), dbSNP rs2113695431, ClinGen allele CA2573140809.

ClinVar aggregate classification (germline): Pathogenic (1 of 4 stars; one submission).

Conditions:
Arrhythmogenic cardiomyopathy with wooly hair and keratoderma. Also called: PALMOPLANTAR KERATODERMA WITH LEFT VENTRICULAR CARDIOMYOPATHY AND WOOLLY HAIR; Arrhythmogenic cardiomyopathy with woolly hair and keratoderma; Dilated cardiomyopathy with woolly hair and keratoderma; Carvajal syndrome. Identifiers: Orphanet 65282, MedGen C1854063, MONDO:0011581, OMIM 605676.
Arrhythmogenic right ventricular dysplasia 8 (ARVD8). Also called: Arrhythmogenic Right Ventricular Dysplasia/Cardiomyopathy 8; ARRHYTHMOGENIC RIGHT VENTRICULAR DYSPLASIA, FAMILIAL, 8; ARRHYTHMOGENIC RIGHT VENTRICULAR CARDIOMYOPATHY 8. Identifiers: MedGen C1843896, MONDO:0011831, OMIM 607450.

Submission:

Labcorp Genetics (formerly Invitae), Labcorp
Classification: Pathogenic for Arrhythmogenic cardiomyopathy with wooly hair and keratoderma; Arrhythmogenic right ventricular dysplasia 8. Last evaluated: 2022-07-13. Review status: criteria provided, single submitter. Criteria: Invitae Variant Classification Sherloc (09022015). Collection method: clinical testing. Allele origin: germline.
Comment: This sequence change creates a premature translational stop signal (p.Ser1674Lysfs*10) in the DSP gene. It is expected to result in an absent or disrupted protein product. Loss-of-function variants in DSP are known to be pathogenic (PMID: 20716751, 24503780, 25227139). This variant is not present in population databases (gnomAD no frequency). This variant has not been reported in the literature in individuals affected with DSP-related conditions. ClinVar contains an entry for this variant (Variation ID: 1377727). For these reasons, this variant has been classified as Pathogenic.

Literature cited by the submitters: PubMed 20716751; PubMed 24503780; PubMed 25227139.